The following is an entry in ClinVar:

ClinVar aggregate classification (germline): Uncertain significance (1 of 4 stars; one submission).

Conditions:
Combined immunodeficiency with skin granulomas. Identifiers: Orphanet 157949, MedGen C2673536, MONDO:0009306, OMIM 233650.
Severe combined immunodeficiency, autosomal recessive, T cell-negative, B cell-negative, NK cell-positive. Also called: Severe combined immunodeficiency due to complete RAG1/2 deficiency; SCID, T CELL-NEGATIVE, B CELL-NEGATIVE, NK CELL-POSITIVE; SCID, AR, T-cell negative, B-cell negative, NK cell-positive. Identifiers: Orphanet 331206, MedGen C1832322, MONDO:0011086, OMIM 601457.

Submission:

Labcorp Genetics (formerly Invitae), Labcorp
Classification: Uncertain significance for Combined immunodeficiency with skin granulomas; Severe combined immunodeficiency, autosomal recessive, T cell-negative, B cell-negative, NK cell-positive. Last evaluated: 2019-09-11. Review status: criteria provided, single submitter. Criteria: Invitae Variant Classification Sherloc (09022015). Collection method: clinical testing. Allele origin: germline.
Comment: In summary, the available evidence is currently insufficient to determine the role of this variant in disease. Therefore, it has been classified as a Variant of Uncertain Significance. Algorithms developed to predict the effect of missense changes on protein structure and function are either unavailable or do not agree on the potential impact of this missense change (SIFT: "Deleterious"; PolyPhen-2: "Probably Damaging"; Align-GVGD: "Class C0"). This variant has not been reported in the literature in individuals with RAG1-related conditions. This variant is not present in population databases (ExAC no frequency). This sequence change replaces glutamine with histidine at codon 498 of the RAG1 protein (p.Gln498His). The glutamine residue is highly conserved and there is a small physicochemical difference between glutamine and histidine.

NM_000448.3(RAG1):c.1494G>C (p.Gln498His)

Gene: RAG1 (recombination activating 1; plus strand). Cytogenetic location: 11p12.
Variant type: single nucleotide variant.
Coding change: c.1494G>C on transcript NM_000448.3 (MANE Select); coding-DNA position 1494, G replaced by C.
Protein change: p.Gln498His; replaces glutamine 498 with histidine.
Molecular consequence: missense variant.
Genome position (GRCh38, 1-based): chr11:36,574,798, G>C. VCF-style: chr11-36574798-G-C. GRCh37 (hg19) VCF-style: chr11-36596348-G-C.
Other names: c.1494G>C, p.Gln498His (NM_001377277.1, NM_001377278.1, NM_001377279.1 and 1 more transcripts); short protein forms Q498H.
Identifiers: ClinVar variation 942870 (VCV000942870.9), dbSNP rs1850813830, ClinGen allele CA380152650.